The following is an entry in ClinVar:

NM_001368809.2(AMPD2):c.2162C>T (p.Pro721Leu)

Gene: AMPD2 (adenosine monophosphate deaminase 2; plus strand). Cytogenetic location: 1p13.3.
Variant type: single nucleotide variant.
Coding change: c.2162C>T on transcript NM_001368809.2 (MANE Select); coding-DNA position 2162, C replaced by T.
Protein change: p.Pro721Leu; replaces proline 721 with leucine.
Molecular consequence: missense variant.
Genome position (GRCh38, 1-based): chr1:109,630,687, C>T. VCF-style: chr1-109630687-C-T. GRCh37 (hg19) VCF-style: chr1-110173309-C-T.
Other names: c.1970C>T, p.Pro657Leu (NM_001257361.2); c.2099C>T, p.Pro700Leu (NM_001308170.1); c.2162C>T, p.Pro721Leu (NM_004037.9); c.2081C>T, p.Pro694Leu (NM_139156.4); short protein forms P694L, P657L, P721L, P700L.
Identifiers: ClinVar variation 1444085 (VCV001444085.8), dbSNP rs1651160667, ClinGen allele CA341562782.

ClinVar aggregate classification (germline): Uncertain significance (1 of 4 stars; one submission).

Conditions:
Hereditary spastic paraplegia 63. Also called: Spastic paraplegia 63, autosomal recessive. Identifiers: Orphanet 401805, MedGen C3810295, MONDO:0014305, OMIM 615686.
Pontocerebellar hypoplasia type 9. Identifiers: Orphanet 369920, MedGen C4014354, MONDO:0014351, OMIM 615809.

Submission:

Labcorp Genetics (formerly Invitae), Labcorp
Classification: Uncertain significance for Pontocerebellar hypoplasia type 9; Hereditary spastic paraplegia 63. Last evaluated: 2022-07-06. Review status: criteria provided, single submitter. Criteria: Invitae Variant Classification Sherloc (09022015). Collection method: clinical testing. Allele origin: germline.
Comment: In summary, the available evidence is currently insufficient to determine the role of this variant in disease. Therefore, it has been classified as a Variant of Uncertain Significance. Algorithms developed to predict the effect of missense changes on protein structure and function are either unavailable or do not agree on the potential impact of this missense change (SIFT: "Deleterious"; PolyPhen-2: "Probably Damaging"; Align-GVGD: "Class C0"). ClinVar contains an entry for this variant (Variation ID: 1444085). This variant has not been reported in the literature in individuals affected with AMPD2-related conditions. This variant is not present in population databases (gnomAD no frequency). This sequence change replaces proline, which is neutral and non-polar, with leucine, which is neutral and non-polar, at codon 775 of the AMPD2 protein (p.Pro775Leu).